The following is an entry in ClinVar:

NM_000057.4(BLM):c.1678G>C (p.Asp560His)

Gene: BLM (BLM RecQ like helicase; plus strand). Cytogenetic location: 15q26.1.
Variant type: single nucleotide variant.
Coding change: c.1678G>C on transcript NM_000057.4 (MANE Select); coding-DNA position 1678, G replaced by C.
Protein change: p.Asp560His; replaces aspartic acid 560 with histidine.
Molecular consequence: missense variant.
Genome position (GRCh38, 1-based): chr15:90,761,051, G>C. VCF-style: chr15-90761051-G-C. GRCh37 (hg19) VCF-style: chr15-91304281-G-C.
Other names: c.1678G>C, p.Asp560His (NM_001287246.2, NM_001287247.2); c.553G>C, p.Asp185His (NM_001287248.2); short protein forms D185H, D560H.
Identifiers: ClinVar variation 1521593 (VCV001521593.7), dbSNP rs746386524, ClinGen allele CA7738571.
Genomic context (GRCh38, chr15:90,761,051, plus strand): 5'-ATAAATGACTTAGAAAGAGAAACCCAACCTTCCTATGATATTGATAATTTTGACATAGAT[G>C]ACTTTGATGATGATGATGACTGGGAAGACATAATGCATAATTTAGCAGCCAGCAAATCTT-3'
Protein context (NP_000048.1, residues 550-570): SYDIDNFDID[Asp560His]FDDDDDWEDI

ClinVar aggregate classification (germline): Uncertain significance. Review status: criteria provided, multiple submitters, no conflicts (2 of 4 stars). 2 submissions from 2 submitters: Uncertain significance (2). Last evaluated 2024-08-14.

Conditions:
Hereditary cancer-predisposing syndrome. Also called: Hereditary neoplastic syndrome; Hereditary Cancer Syndrome; Tumor predisposition; Neoplastic Syndromes, Hereditary. Identifiers: Orphanet 140162, MedGen C0027672, MeSH D009386, MONDO:0015356.
Bloom syndrome (BLM). Also called: Bloom-Torre-Machacek syndrome. Identifiers: Orphanet 125, MedGen C0005859, MONDO:0008876, OMIM 210900.

Allele frequency attached by ClinVar (database versions not stated): gnomAD exomes below 0.00001; ExAC 0.00001.
gnomAD v4.1: 7 of 1,587,642 alleles (0.00044%); highest among the groups gnomAD compares: South Asian, 0.007%; no homozygotes.

Submissions (2):

Ambry Genetics
Classification: Uncertain significance for Hereditary cancer-predisposing syndrome. Last evaluated: 2024-08-14. Review status: criteria provided, single submitter. Criteria: Ambry Variant Classification Scheme 2023. Collection method: clinical testing. Allele origin: germline.
Comment: The p.D560H variant (also known as c.1678G>C), located in coding exon 6 of the BLM gene, results from a G to C substitution at nucleotide position 1678. The aspartic acid at codon 560 is replaced by histidine, an amino acid with similar properties. This amino acid position is conserved. In addition, this alteration is predicted to be tolerated by in silico analysis. Since supporting evidence is limited at this time, the clinical significance of this alteration remains unclear.

Labcorp Genetics (formerly Invitae), Labcorp
Classification: Uncertain significance for Bloom syndrome. Last evaluated: 2023-08-10. Review status: criteria provided, single submitter. Criteria: Invitae Variant Classification Sherloc (09022015). Collection method: clinical testing. Allele origin: germline.
Comment: In summary, the available evidence is currently insufficient to determine the role of this variant in disease. Therefore, it has been classified as a Variant of Uncertain Significance. Advanced modeling of protein sequence and biophysical properties (such as structural, functional, and spatial information, amino acid conservation, physicochemical variation, residue mobility, and thermodynamic stability) performed at Invitae indicates that this missense variant is not expected to disrupt BLM protein function. ClinVar contains an entry for this variant (Variation ID: 1521593). This variant has not been reported in the literature in individuals affected with BLM-related conditions. This variant is present in population databases (rs746386524, gnomAD 0.004%). This sequence change replaces aspartic acid, which is acidic and polar, with histidine, which is basic and polar, at codon 560 of the BLM protein (p.Asp560His).